The following is an entry in ClinVar:

ClinVar aggregate classification (germline): Conflicting classifications of pathogenicity. Review status: criteria provided, conflicting classifications (1 of 4 stars). 7 submissions from 7 submitters: Uncertain significance (5); Likely benign (2). Last evaluated 2026-07-06.

Conditions:
Hereditary cancer-predisposing syndrome. Also called: Tumor predisposition; Neoplastic Syndromes, Hereditary; Hereditary Cancer Syndrome; Hereditary neoplastic syndrome. Identifiers: Orphanet 140162, MedGen C0027672, MeSH D009386, MONDO:0015356.
Intellectual disability, autosomal dominant 16 (CSS4). Also called: COFFIN-SIRIS SYNDROME 4. Identifiers: Orphanet 1465, MedGen C3553249, MONDO:0013821, OMIM 614609.
Rhabdoid tumor predisposition syndrome 2 (RTPS2). Identifiers: Orphanet 231108, Orphanet 69077, MedGen C2750074, MONDO:0013224, OMIM 613325.

Allele frequency attached by ClinVar (database versions not stated): gnomAD 0.00001; gnomAD exomes 0.00001 and 0.00002; TOPMed 0.00001.
gnomAD v4.1: 13 of 1,598,980 alleles (0.00081%); highest among the groups gnomAD compares: Admixed American, 0.0017%; no homozygotes.

Submissions (7):

Myriad Genetics, Inc.
Classification: Likely benign for Rhabdoid tumor predisposition syndrome 2. Last evaluated: 2026-07-06. Review status: criteria provided, single submitter. Criteria: Myriad Autosomal Dominant, Autosomal Recessive and X-Linked Classification Criteria (2023). Collection method: clinical testing. Allele origin: unknown.
Comment: This variant is considered likely benign. This variant has been observed at a population frequency that is significantly greater than expected given the associated disease prevalence and penetrance.

Labcorp Genetics (formerly Invitae), Labcorp
Classification: Uncertain significance for Rhabdoid tumor predisposition syndrome 2. Last evaluated: 2025-05-13. Review status: criteria provided, single submitter. Criteria: Invitae Variant Classification Sherloc (09022015). Collection method: clinical testing. Allele origin: germline.
Comment: This sequence change replaces valine, which is neutral and non-polar, with methionine, which is neutral and non-polar, at codon 325 of the SMARCA4 protein (p.Val325Met). The frequency data for this variant in the population databases is considered unreliable, as metrics indicate poor data quality at this position in the gnomAD database. This variant has not been reported in the literature in individuals affected with SMARCA4-related conditions. ClinVar contains an entry for this variant (Variation ID: 480591). Invitae Evidence Modeling of protein sequence and biophysical properties (such as structural, functional, and spatial information, amino acid conservation, physicochemical variation, residue mobility, and thermodynamic stability) indicates that this missense variant is not expected to disrupt SMARCA4 protein function with a negative predictive value of 95%. In summary, the available evidence is currently insufficient to determine the role of this variant in disease. Therefore, it has been classified as a Variant of Uncertain Significance.

Women's Health and Genetics/Laboratory Corporation of America, LabCorp
Classification: Uncertain significance. Last evaluated: 2024-03-29. Review status: criteria provided, single submitter. Criteria: LabCorp Variant Classification Summary - May 2015. Collection method: clinical testing. Allele origin: germline.
Comment: Variant summary: SMARCA4 c.973G>A (p.Val325Met) results in a conservative amino acid change in the encoded protein sequence. Three of five in-silico tools predict a damaging effect of the variant on protein function. The variant allele was found at a frequency of 8.1e-06 in 1598980 control chromosomes. This frequency does not allow for any conclusion about variant significance. However, autosomal dominant Coffin-Siris Syndrome is expected to result in some generally early-onset phenotypes (with variable severity), and this variant is present in 13 heterozygous individuals in gnomAD, suggesting that it may have a benign role in this condition. To our knowledge, no occurrence of c.973G>A in individuals affected with Coffin-Siris Syndrome and no experimental evidence demonstrating its impact on protein function have been reported. ClinVar contains an entry for this variant (Variation ID: 480591). Based on the evidence outlined above, the variant was classified as VUS-possibly benign.

Baylor Genetics
Classification: Uncertain significance for Rhabdoid tumor predisposition syndrome 2. Last evaluated: 2024-02-14. Review status: criteria provided, single submitter. Criteria: ACMG Guidelines, 2015. Collection method: clinical testing. Allele origin: unknown.

Ambry Genetics
Classification: Likely benign for Hereditary cancer-predisposing syndrome. Last evaluated: 2022-09-16. Review status: criteria provided, single submitter. Criteria: Ambry Variant Classification Scheme 2023. Collection method: clinical testing. Allele origin: germline.

Sema4
Classification: Uncertain significance for Hereditary cancer-predisposing syndrome. Last evaluated: 2021-12-01. Review status: criteria provided, single submitter. Criteria: Sema4 Curation Guidelines. Collection method: curation. Allele origin: germline.
Comment: The SMARCA4 c.973G>A (p.V325M) variant has not been reported in the literature to our knowledge. It was observed in 4/90106 chromosomes of the Non-Finnish European subpopulation in the large and broad cohorts of the Genome Aggregation Database (PMID: 32461654). The variant has been reported in ClinVar (Variation ID 480591). Functional studies have not been performed, and in silico predictions of the variant's effect on protein function are inconclusive. The evidence is insufficient to meet ACMG/AMP criteria for classifying the variant as benign or pathogenic. Thus, the clinical significance of this variant is currently uncertain.

Genome-Nilou Lab
Classification: Uncertain significance for Intellectual disability, autosomal dominant 16. Last evaluated: 2021-07-15. Review status: criteria provided, single submitter. Criteria: ACMG Guidelines, 2015. Collection method: clinical testing. Allele origin: germline. Affected: no.

NM_003072.5(SMARCA4):c.973G>A (p.Val325Met)

Gene: SMARCA4 (SWI/SNF related BAF chromatin remodeling complex subunit ATPase 4; plus strand). Cytogenetic location: 19p13.2.
Variant type: single nucleotide variant.
Coding change: c.973G>A on transcript NM_003072.5 (MANE Select); coding-DNA position 973, G replaced by A.
Protein change: p.Val325Met; replaces valine 325 with methionine.
Molecular consequence: missense variant. On other transcripts: non-coding transcript variant (1).
Genome position (GRCh38, 1-based): chr19:10,987,779, G>A. VCF-style: chr19-10987779-G-A. GRCh37 (hg19) VCF-style: chr19-11098455-G-A.
Other names: c.973G>A, p.Val325Met (NM_001128845.2, NM_001128844.3, NM_001128846.2 and 5 more transcripts); short protein forms V325M.
Identifiers: ClinVar variation 480591 (VCV000480591.22), dbSNP rs1361910224, ClinGen allele CA404058552.